The following is an entry in ClinVar:

NM_147127.5(EVC2):c.2356G>T (p.Ala786Ser)

Gene: EVC2 (EvC ciliary complex subunit 2; minus strand). Cytogenetic location: 4p16.2.
Variant type: single nucleotide variant.
Coding change: c.2356G>T on transcript NM_147127.5 (MANE Select); coding-DNA position 2356, G replaced by T.
Protein change: p.Ala786Ser; replaces alanine 786 with serine.
Molecular consequence: missense variant.
Genome position (GRCh38, 1-based): chr4:5,622,682, C>A on the plus strand (G>T on the coding strand, the complement: EVC2 is on the minus strand). VCF-style: chr4-5622682-C-A. GRCh37 (hg19) VCF-style: chr4-5624409-C-A.
Other names: c.2116G>T, p.Ala706Ser (NM_001166136.2); short protein forms A706S, A786S.
Identifiers: ClinVar variation 2202473 (VCV002202473.2), dbSNP rs1316162442, ClinGen allele CA356144609.
Genomic context (GRCh38, chr4:5,622,682, plus strand): 5'-CGCTCTGGACACCCTCCTGGTCCCTGTCCCTCTCCTCCCCCTCCAGCTGCTCGGCCCGTG[C>A]AGCCATCTCCTTGCCGTGCTCCTCCAGGATCTGCTGCAGGAAGAGCCAGGGCACCCCACG-3'
Protein context (NP_667338.3, residues 776-796): ILEEHGKEMA[Ala786Ser]RAEQLEGEER

ClinVar aggregate classification (germline): Uncertain significance (1 of 4 stars; one submission).

Conditions:
Curry-Hall syndrome (WAD). Also called: WEYERS ACRODENTAL DYSOSTOSIS. Identifiers: Orphanet 952, MedGen C0457013, MONDO:0008673, OMIM 193530.
Ellis-van Creveld syndrome (EVC). Also called: MESOECTODERMAL DYSPLASIA; EVC-Related Ellis-van Creveld Syndrome; EVC2-Related Ellis-van Creveld Syndrome; Chondroectodermal dysplasia. Identifiers: Orphanet 289, MedGen C0013903, MONDO:0009162, OMIM 225500.

Allele frequency attached by ClinVar (database versions not stated): gnomAD exomes 0.00001; gnomAD 0.00002; TOPMed 0.00003.
gnomAD v4.1: 6 of 1,614,022 alleles (0.00037%); highest among the groups gnomAD compares: Admixed American, 0.01%; no homozygotes.

Submission:

Labcorp Genetics (formerly Invitae), Labcorp
Classification: Uncertain significance for Curry-Hall syndrome; Ellis-van Creveld syndrome. Last evaluated: 2024-10-03. Review status: criteria provided, single submitter. Criteria: Invitae Variant Classification Sherloc (09022015). Collection method: clinical testing. Allele origin: germline.
Comment: This sequence change replaces alanine, which is neutral and non-polar, with serine, which is neutral and polar, at codon 786 of the EVC2 protein (p.Ala786Ser). This variant is present in population databases (no rsID available, gnomAD 0.009%). This variant has not been reported in the literature in individuals affected with EVC2-related conditions. ClinVar contains an entry for this variant (Variation ID: 2202473). An algorithm developed to predict the effect of missense changes on protein structure and function outputs the following: PolyPhen-2: "Benign". The serine amino acid residue is found in multiple mammalian species, which suggests that this missense change does not adversely affect protein function. In summary, the available evidence is currently insufficient to determine the role of this variant in disease. Therefore, it has been classified as a Variant of Uncertain Significance.